The following is an entry in ClinVar:

ClinVar aggregate classification (germline): Uncertain significance. Review status: criteria provided, multiple submitters, no conflicts (2 of 4 stars). 2 submissions from 2 submitters: Uncertain significance (2). Last evaluated 2023-11-20.

Conditions:
Wilson disease (WND). Also called: Wilson's disease. Identifiers: Orphanet 905, MedGen C0019202, MONDO:0010200, OMIM 277900. Disease mechanism: loss of function.

Allele frequency attached by ClinVar (database versions not stated): 1000 Genomes Project 0.00020; 1000 Genomes Project 30x 0.00031; TOPMed below 0.00001; ExAC 0.00001; gnomAD 0.00002.
gnomAD v4.1: 3 of 1,613,966 alleles (0.00019%); highest among the groups gnomAD compares: African/African-American, 0.004%; no homozygotes.

Submissions (2):

All of Us Research Program, National Institutes of Health
Classification: Uncertain significance for Wilson disease. Last evaluated: 2023-11-20. Review status: criteria provided, single submitter. Criteria: ACMG Guidelines, 2015. Collection method: clinical testing. Allele origin: germline. Inheritance: Autosomal recessive inheritance. Observed: 2 variant alleles, 2 heterozygotes.
Comment: This missense variant replaces proline with threonine at codon 690 of the ATP7B protein. Computational prediction suggests that this variant may have deleterious impact on protein structure and function (internally defined REVEL score threshold >= 0.7, PMID: 27666373). To our knowledge, functional studies have not been reported for this variant. This variant has not been reported in individuals affected with ATP7B-related disorders in the literature. This variant has been identified in 1/249216 chromosomes in the general population by the Genome Aggregation Database (gnomAD). The available evidence is insufficient to determine the role of this variant in disease conclusively. Therefore, this variant is classified as a Variant of Uncertain Significance.

This study involves interpretation of variants in research participants for the purpose of population health screening. Participant phenotype was not available at the time of variant classification. Additional details can be found in publication PMID: 35346344, PMCID: PMC8962531

Labcorp Genetics (formerly Invitae), Labcorp
Classification: Uncertain significance for Wilson disease. Last evaluated: 2022-01-15. Review status: criteria provided, single submitter. Criteria: Invitae Variant Classification Sherloc (09022015). Collection method: clinical testing. Allele origin: germline.
Comment: In summary, the available evidence is currently insufficient to determine the role of this variant in disease. Therefore, it has been classified as a Variant of Uncertain Significance. Advanced modeling of protein sequence and biophysical properties (such as structural, functional, and spatial information, amino acid conservation, physicochemical variation, residue mobility, and thermodynamic stability) performed at Invitae indicates that this missense variant is expected to disrupt ATP7B protein function. This variant has not been reported in the literature in individuals affected with ATP7B-related conditions. This variant is present in population databases (rs563910405, gnomAD 0.007%). This sequence change replaces proline, which is neutral and non-polar, with threonine, which is neutral and polar, at codon 690 of the ATP7B protein (p.Pro690Thr).

NM_000053.4(ATP7B):c.2068C>A (p.Pro690Thr)

Gene: ATP7B (ATPase copper transporting beta; minus strand). Cytogenetic location: 13q14.3.
Variant type: single nucleotide variant.
Coding change: c.2068C>A on transcript NM_000053.4 (MANE Select); coding-DNA position 2068, C replaced by A.
Protein change: p.Pro690Thr; replaces proline 690 with threonine.
Molecular consequence: missense variant. On other transcripts: intron variant (2).
Genome position (GRCh38, 1-based): chr13:51,960,201, G>T on the plus strand (C>A on the coding strand, the complement: ATP7B is on the minus strand). VCF-style: chr13-51960201-G-T. GRCh37 (hg19) VCF-style: chr13-52534337-G-T.
Other names: c.1972C>A, p.Pro658Thr (NM_001406518.1, NM_001406517.1, NM_001406530.1 and 1 more transcripts); c.2068C>A, p.Pro690Thr (NM_001406519.1, NM_001406520.1, NM_001406521.1 and 16 more transcripts); c.2035C>A, p.Pro679Thr (NM_001406524.1, NM_001406514.1); c.1735C>A, p.Pro579Thr (NM_001243182.2); c.1639C>A, p.Pro547Thr (NM_001406539.1); c.1870-2594C>A (NM_001005918.3); c.1870-1657C>A (NM_001330579.2); short protein forms P579T, P679T, P547T, P658T, P690T.
Identifiers: ClinVar variation 1903572 (VCV001903572.6), dbSNP rs563910405, ClinGen allele CA6989124.